The following is an entry in ClinVar:

NM_001394998.1(TANC2):c.90G>A (p.Pro30=)

Gene: TANC2 (tetratricopeptide repeat, ankyrin repeat and coiled-coil containing 2; plus strand). Cytogenetic location: 17q23.2.
Variant type: single nucleotide variant.
Coding change: c.90G>A on transcript NM_001394998.1 (MANE Select); coding-DNA position 90, G replaced by A.
Protein change: p.Pro30=; no amino-acid change (proline 30 retained).
Molecular consequence: synonymous variant.
Genome position (GRCh38, 1-based): chr17:63,073,965, G>A. VCF-style: chr17-63073965-G-A. GRCh37 (hg19) VCF-style: chr17-61151326-G-A.
Other names: c.90G>A, p.Pro30= (NM_001411076.1, NM_025185.4).
Identifiers: ClinVar variation 2648035 (VCV002648035.24), dbSNP rs142582836, ClinGen allele CA8697285.
Genomic context (GRCh38, chr17:63,073,965, plus strand): 5'-ATTATCTATTTGCTTATGCTCCTTTTAATTTTATGCAGATGGAGGGAGCGAGGAACCACC[G>A]GATCGAAGACAGTCAAGTGTAGACTCTCGCCAAAGCCGCTCTGGGCAAGGTAAATTTTCA-3'
Protein context (NP_001381927.1, residues 20-40): RSSDGGSEEP[Pro30=]DRRQSSVDSR

ClinVar aggregate classification (germline): Likely benign (1 of 4 stars; one submission).

gnomAD v4.1: 84 of 1,588,958 alleles (0.0053%); highest among the groups gnomAD compares: Non-Finnish European, 0.0055%; no homozygotes.

Submission:

CeGaT Center for Human Genetics Tuebingen
Classification: Likely benign. Last evaluated: 2022-10-01. Review status: criteria provided, single submitter. Criteria: CeGaT Center For Human Genetics Tuebingen Variant Classification Criteria Version 2. Collection method: clinical testing. Allele origin: germline. Affected: yes. Observed: 1 variant allele.
Comment: TANC2: BP4, BP7